The following is an entry in ClinVar:

NM_001035.3(RYR2):c.3495G>T (p.Met1165Ile)

Gene: RYR2 (ryanodine receptor 2; plus strand). Cytogenetic location: 1q43.
Variant type: single nucleotide variant.
Coding change: c.3495G>T on transcript NM_001035.3 (MANE Select); coding-DNA position 3495, G replaced by T.
Protein change: p.Met1165Ile; replaces methionine 1165 with isoleucine.
Molecular consequence: missense variant.
Genome position (GRCh38, 1-based): chr1:237,569,216, G>T. VCF-style: chr1-237569216-G-T. GRCh37 (hg19) VCF-style: chr1-237732516-G-T.
Other names: short protein forms M1165I.
Identifiers: ClinVar variation 2587839 (VCV002587839.2), dbSNP rs2546447362, ClinGen allele CA345390228.

ClinVar aggregate classification (germline): Uncertain significance (1 of 4 stars; one submission).

Conditions:
Cardiovascular phenotype. Identifiers: MedGen CN230736.

Submission:

Ambry Genetics
Classification: Uncertain significance for Cardiovascular phenotype. Last evaluated: 2023-09-06. Review status: criteria provided, single submitter. Criteria: Ambry Variant Classification Scheme 2023. Collection method: clinical testing. Allele origin: germline.
Comment: The p.M1165I variant (also known as c.3495G>T), located in coding exon 29 of the RYR2 gene, results from a G to T substitution at nucleotide position 3495. The methionine at codon 1165 is replaced by isoleucine, an amino acid with highly similar properties. This amino acid position is highly conserved in available vertebrate species. In addition, the in silico prediction for this alteration is inconclusive. Since supporting evidence is limited at this time, the clinical significance of this alteration remains unclear.